The following is an entry in ClinVar:

NM_000091.5(COL4A3):c.761_762del (p.Arg254fs)

Genes: COL4A3 (collagen type IV alpha 3 chain; plus strand), MFF-DT (MFF divergent transcript; minus strand). Cytogenetic location: 2q36.3.
Variant type: Deletion.
Coding change: c.761_762del on transcript NM_000091.5 (MANE Select); coding-DNA positions 761 to 762, 2 bases deleted (GA; older notation c.761_762delGA).
Protein change: p.Arg254fs; shifts the reading frame from arginine 254.
Molecular consequence: frameshift variant.
Genome position (GRCh38, 1-based): chr2:227,253,634-227,253,635, GA deleted; deleting any 2 consecutive bases within chr2:227,253,633-227,253,635 gives the same sequence; the c. name uses the placement nearest the transcript's 3' end. VCF-style (leftmost placement, unchanged base first): chr2-227253632-CAG-C. GRCh37 (hg19) VCF-style: chr2-228118348-CAG-C.
Other names: short protein forms R254fs.
Identifiers: ClinVar variation 5012761 (VCV005012761.1).

ClinVar aggregate classification (germline): Pathogenic (1 of 4 stars; one submission).

Conditions:
Alport syndrome. Also called: Hemorrhagic familial nephritis; Hemorrhagic hereditary nephritis; Congenital hereditary hematuria. Identifiers: Orphanet 63, MedGen C1567741, MONDO:0018965.

Submission:

Myriad Genetics, Inc.
Classification: Pathogenic for Alport syndrome. Last evaluated: 2024-02-19. Review status: criteria provided, single submitter. Criteria: Myriad Autosomal Dominant, Autosomal Recessive and X-Linked Classification Criteria (2023). Collection method: clinical testing. Allele origin: unknown.
Comment: NM_000091.4(COL4A3):c.761_762delGA(R254Nfs*32) is expected to be pathogenic in the context of Alport syndrome, COL4A3-related. This variant is predicted to lead to an abnormal or absent protein product due to the creation of a premature termination codon in COL4A3, a gene where loss-of-function variants are known to be pathogenic. Please note: this variant was assessed in the context of healthy population screening.